The following is an entry in ClinVar:

ClinVar aggregate classification (germline): Uncertain significance (1 of 4 stars; one submission).

Allele frequency attached by ClinVar (database versions not stated): ExAC 0.00001; gnomAD exomes 0.00001.
gnomAD v4.1: 27 of 1,614,036 alleles (0.0017%); highest among the groups gnomAD compares: East Asian, 0.016%; no homozygotes.

Submission:

Labcorp Genetics (formerly Invitae), Labcorp
Classification: Uncertain significance. Last evaluated: 2022-07-06. Review status: criteria provided, single submitter. Criteria: Invitae Variant Classification Sherloc (09022015). Collection method: clinical testing. Allele origin: germline.
Comment: In summary, the available evidence is currently insufficient to determine the role of this variant in disease. Therefore, it has been classified as a Variant of Uncertain Significance. Algorithms developed to predict the effect of missense changes on protein structure and function (SIFT, PolyPhen-2, Align-GVGD) all suggest that this variant is likely to be tolerated. ClinVar contains an entry for this variant (Variation ID: 1506676). This variant has not been reported in the literature in individuals affected with WHRN-related conditions. This variant is present in population databases (rs35003670, gnomAD 0.03%). This sequence change replaces arginine, which is basic and polar, with glutamine, which is neutral and polar, at codon 423 of the WHRN protein (p.Arg423Gln).

NM_015404.4(WHRN):c.1268G>A (p.Arg423Gln)

Gene: WHRN (whirlin; minus strand). Cytogenetic location: 9q32.
Variant type: single nucleotide variant.
Coding change: c.1268G>A on transcript NM_015404.4 (MANE Select); coding-DNA position 1268, G replaced by A.
Protein change: p.Arg423Gln; replaces arginine 423 with glutamine.
Molecular consequence: missense variant.
Genome position (GRCh38, 1-based): chr9:114,424,482, C>T on the plus strand (G>A on the coding strand, the complement: WHRN is on the minus strand). VCF-style: chr9-114424482-C-T. GRCh37 (hg19) VCF-style: chr9-117186762-C-T.
Other names: c.119G>A, p.Arg40Gln (NM_001083885.3); c.1268G>A, p.Arg423Gln (NM_001173425.2); c.215G>A, p.Arg72Gln (NM_001346890.1); short protein forms R72Q, R40Q, R423Q.
Identifiers: ClinVar variation 1506676 (VCV001506676.6), dbSNP rs35003670, ClinGen allele CA5206000.